The following is an entry in ClinVar:

ClinVar aggregate classification (germline): Uncertain significance. Review status: criteria provided, multiple submitters, no conflicts (2 of 4 stars). 2 submissions from 2 submitters: Uncertain significance (2). Last evaluated 2023-12-13.

Conditions:
Inborn genetic diseases. Identifiers: MedGen C0950123, MeSH D030342.

Allele frequency attached by ClinVar (database versions not stated): gnomAD exomes below 0.00001; gnomAD 0.00001.
gnomAD v4.1: 5 of 1,613,956 alleles (0.00031%); highest among the groups gnomAD compares: Non-Finnish European, 0.00042%; no homozygotes.

Submissions (2):

Ambry Genetics
Classification: Uncertain significance for Inborn genetic diseases. Last evaluated: 2023-12-13. Review status: criteria provided, single submitter. Criteria: Ambry Variant Classification Scheme 2023. Collection method: clinical testing. Allele origin: germline.

Labcorp Genetics (formerly Invitae), Labcorp
Classification: Uncertain significance. Last evaluated: 2021-07-17. Review status: criteria provided, single submitter. Criteria: Invitae Variant Classification Sherloc (09022015). Collection method: clinical testing. Allele origin: germline.
Comment: Algorithms developed to predict the effect of missense changes on protein structure and function are either unavailable or do not agree on the potential impact of this missense change (SIFT: "Tolerated"; PolyPhen-2: "Possibly Damaging"; Align-GVGD: "Class C0"). This variant has not been reported in the literature in individuals affected with TRAK1-related conditions. This variant is not present in population databases (ExAC no frequency). This sequence change replaces aspartic acid with asparagine at codon 172 of the TRAK1 protein (p.Asp172Asn). The aspartic acid residue is highly conserved and there is a small physicochemical difference between aspartic acid and asparagine. In summary, the available evidence is currently insufficient to determine the role of this variant in disease. Therefore, it has been classified as a Variant of Uncertain Significance.

NM_001042646.3(TRAK1):c.514G>A (p.Asp172Asn)

Gene: TRAK1 (trafficking kinesin protein 1; plus strand). Cytogenetic location: 3p22.1.
Variant type: single nucleotide variant.
Coding change: c.514G>A on transcript NM_001042646.3 (MANE Select); coding-DNA position 514, G replaced by A.
Protein change: p.Asp172Asn; replaces aspartic acid 172 with asparagine.
Molecular consequence: missense variant. On other transcripts: non-coding transcript variant (1).
Genome position (GRCh38, 1-based): chr3:42,188,078, G>A. VCF-style: chr3-42188078-G-A. GRCh37 (hg19) VCF-style: chr3-42229570-G-A.
Other names: c.514G>A, p.Asp172Asn (NM_001265608.2, NM_001349246.2, NM_001349247.2); c.292G>A, p.Asp98Asn (NM_001265609.2, NM_001265610.1, NM_001349248.1 and 1 more transcripts); c.202G>A, p.Asp68Asn (NM_001349245.1); c.340G>A, p.Asp114Asn (NM_014965.5); c.514G>A (NM_001042646.1); short protein forms D68N, D98N, D114N, D172N.
Identifiers: ClinVar variation 1352354 (VCV001352354.9), dbSNP rs1423659055, ClinGen allele CA352241101.